The following is an entry in ClinVar:

ClinVar aggregate classification (germline): Uncertain significance (1 of 4 stars; one submission).

Submission:

GeneDx
Classification: Uncertain significance. Last evaluated: 2022-02-02. Review status: criteria provided, single submitter. Criteria: GeneDx Variant Classification Process June 2021. Collection method: clinical testing. Allele origin: germline. Affected: yes.
Comment: Not observed at significant frequency in large population cohorts (gnomAD); Missense variants in this gene are often considered pathogenic (HGMD); In silico analysis supports that this missense variant does not alter protein structure/function; Has not been previously published as pathogenic or benign to our knowledge; This variant is associated with the following publications: (PMID: 29493581)

NM_005633.4(SOS1):c.3766T>G (p.Phe1256Val)

Gene: SOS1 (SOS Ras/Rac guanine nucleotide exchange factor 1; minus strand). Cytogenetic location: 2p22.1.
Variant type: single nucleotide variant.
Coding change: c.3766T>G on transcript NM_005633.4 (MANE Select); coding-DNA position 3766, T replaced by G.
Protein change: p.Phe1256Val; replaces phenylalanine 1256 with valine.
Molecular consequence: missense variant.
Genome position (GRCh38, 1-based): chr2:38,986,060, A>C on the plus strand (T>G on the coding strand, the complement: SOS1 is on the minus strand). VCF-style: chr2-38986060-A-C. GRCh37 (hg19) VCF-style: chr2-39213201-A-C.
Other names: c.3745T>G, p.Phe1249Val (NM_001382394.1); c.3721T>G, p.Phe1241Val (NM_001382395.1); short protein forms F1241V, F1249V, F1256V.
Identifiers: ClinVar variation 1700397 (VCV001700397.2), dbSNP rs2124454889, ClinGen allele CA346362357.
Genomic context (GRCh38, chr2:38,986,060, plus strand): 5'-GTGATGGCAGATGCCTTCTTGTGCCGTGAGGAGAAGGTGTTTGAGGAGGAGGTGGTGTAA[A>C]GGGGGAAGGGCTGTTTGGGAAGAAGGCATTGCCATGGTCACTTTTTTTGCCCAAAGGGGG-3'
Protein context (NP_005624.2, residues 1246-1266): NAFFPNSPSP[Phe1256Val]TPPPPQTPSP